The following is an entry in ClinVar:

ClinVar aggregate classification (germline): Likely benign. Review status: criteria provided, multiple submitters, no conflicts (2 of 4 stars). 3 submissions from 3 submitters: Likely benign (2). 1 of the submissions does not count toward it. Last evaluated 2025-04-13.

Conditions:
COL9A3-related disorder. Also called: COL9A3-related condition.

Allele frequency attached by ClinVar (database versions not stated): gnomAD exomes 0.00001; gnomAD 0.00003; TOPMed 0.00003.
gnomAD v4.1: 13 of 1,559,226 alleles (0.00083%); highest among the groups gnomAD compares: Middle Eastern, 0.017%; no homozygotes.

Submissions (3):

Labcorp Genetics (formerly Invitae), Labcorp
Classification: Likely benign. Last evaluated: 2025-04-13. Review status: criteria provided, single submitter. Criteria: Invitae Variant Classification Sherloc (09022015). Collection method: clinical testing. Allele origin: germline.

Blueprint Genetics
Classification: Likely benign. Last evaluated: 2022-08-17. Review status: criteria provided, single submitter. Criteria: ACMG Guidelines, 2015. Collection method: clinical testing. Allele origin: germline.

PreventionGenetics, part of Exact Sciences
Classification: Likely benign for COL9A3-related condition. Last evaluated: 2019-06-05. Review status: no assertion criteria provided. Collection method: clinical testing. Allele origin: germline. Not counted in ClinVar's aggregate classification.
Comment: This variant is classified as likely benign based on ACMG/AMP sequence variant interpretation guidelines (Richards et al. 2015 PMID: 25741868, with internal and published modifications).

NM_001853.4(COL9A3):c.672C>T (p.Ser224=)

Gene: COL9A3 (collagen type IX alpha 3 chain; plus strand). Cytogenetic location: 20q13.33.
Variant type: single nucleotide variant.
Coding change: c.672C>T on transcript NM_001853.4 (MANE Select); coding-DNA position 672, C replaced by T.
Protein change: p.Ser224=; no amino-acid change (serine 224 retained).
Molecular consequence: synonymous variant.
Genome position (GRCh38, 1-based): chr20:62,825,858, C>T. VCF-style: chr20-62825858-C-T. GRCh37 (hg19) VCF-style: chr20-61457210-C-T.
Other names: c.672C>T (NM_001853.3).
Identifiers: ClinVar variation 1909375 (VCV001909375.8), dbSNP rs763323625, ClinGen allele CA9949429.